The following is an entry in ClinVar:

ClinVar aggregate classification (germline): Uncertain significance (1 of 4 stars; one submission).

Submission:

GeneDx
Classification: Uncertain significance. Last evaluated: 2024-02-08. Review status: criteria provided, single submitter. Criteria: GeneDx Variant Classification Process June 2021. Collection method: clinical testing. Allele origin: germline. Affected: yes.
Comment: Not observed at significant frequency in large population cohorts (gnomAD); Nonsense variant predicted to result in protein truncation or nonsense mediated decay in a gene or region of a gene for which loss of function is not a well-established mechanism of disease; Has not been previously published as pathogenic or benign to our knowledge

NM_001035.3(RYR2):c.11278A>T (p.Lys3760Ter)

Gene: RYR2 (ryanodine receptor 2; plus strand). Cytogenetic location: 1q43.
Variant type: single nucleotide variant.
Coding change: c.11278A>T on transcript NM_001035.3 (MANE Select); coding-DNA position 11278, A replaced by T.
Protein change: p.Lys3760Ter; replaces lysine 3760 with a stop codon.
Molecular consequence: nonsense.
Genome position (GRCh38, 1-based): chr1:237,757,729, A>T. VCF-style: chr1-237757729-A-T. GRCh37 (hg19) VCF-style: chr1-237921029-A-T.
Other names: short protein forms K3760*.
Identifiers: ClinVar variation 3368593 (VCV003368593.1).